The following is an entry in ClinVar:

ClinVar aggregate classification (germline): Uncertain significance. Review status: criteria provided, multiple submitters, no conflicts (2 of 4 stars). 2 submissions from 2 submitters: Uncertain significance (2). Last evaluated 2025-05-09.

Conditions:
Intellectual developmental disorder, autosomal recessive 37. Also called: Intellectual disability-hypotonia-spasticity-sleep disorder syndrome. Identifiers: Orphanet 356996, MedGen C3809672, MONDO:0014210, OMIM 615493.

Allele frequency attached by ClinVar (database versions not stated): gnomAD exomes 0.00001 and below 0.00001; gnomAD 0.00001; TOPMed 0.00002.
gnomAD v4.1: 9 of 1,613,662 alleles (0.00056%); highest among the groups gnomAD compares: East Asian, 0.011%; no homozygotes.

Submissions (2):

Labcorp Genetics (formerly Invitae), Labcorp
Classification: Uncertain significance. Last evaluated: 2025-05-09. Review status: criteria provided, single submitter. Criteria: Invitae Variant Classification Sherloc (09022015). Collection method: clinical testing. Allele origin: germline.
Comment: This sequence change replaces glycine, which is neutral and non-polar, with arginine, which is basic and polar, at codon 908 of the ANK3 protein (p.Gly908Arg). This variant is present in population databases (no rsID available, gnomAD 0.002%). This variant has not been reported in the literature in individuals affected with ANK3-related conditions. ClinVar contains an entry for this variant (Variation ID: 547929). An algorithm developed to predict the effect of missense changes on protein structure and function (PolyPhen-2) suggests that this variant is likely to be tolerated. In summary, the available evidence is currently insufficient to determine the role of this variant in disease. Therefore, it has been classified as a Variant of Uncertain Significance.

Mayo Clinic Laboratories, Mayo Clinic
Classification: Uncertain significance for Intellectual developmental disorder, autosomal recessive 37. Last evaluated: 2017-03-02. Review status: criteria provided, single submitter. Criteria: ACMG Guidelines, 2015. Collection method: clinical testing. Allele origin: de novo.

NM_020987.5(ANK3):c.2722G>A (p.Gly908Arg)

Gene: ANK3 (ankyrin 3; minus strand). Cytogenetic location: 10q21.2.
Variant type: single nucleotide variant.
Coding change: c.2722G>A on transcript NM_020987.5 (MANE Select); coding-DNA position 2722, G replaced by A.
Protein change: p.Gly908Arg; replaces glycine 908 with arginine.
Molecular consequence: missense variant.
Genome position (GRCh38, 1-based): chr10:60,138,980, C>T on the plus strand (G>A on the coding strand, the complement: ANK3 is on the minus strand). VCF-style: chr10-60138980-C-T. GRCh37 (hg19) VCF-style: chr10-61898738-C-T.
Other names: c.2725G>A, p.Gly909Arg (NM_001204404.2); c.2722G>A, p.Gly908Arg (NM_001320874.2); c.124G>A, p.Gly42Arg (NM_001149.4); c.2704G>A, p.Gly902Arg (NM_001204403.2); short protein forms G902R, G908R, G909R, G42R.
Identifiers: ClinVar variation 547929 (VCV000547929.6), dbSNP rs944771081, ClinGen allele CA208294076.
Genomic context (GRCh38, chr10:60,138,980, plus strand): 5'-TGGTTGTTTTAAATTAACTATGAAAGACAGCAACAACGAAGTACCTGGCAGAACGCGCTC[C>T]GAGACTAAAGCCCATGTAACCCTCTGCAGGCAGGGAATCATCACCCAATTCCTTAAGGTC-3'
Protein context (NP_066267.2, residues 898-918): PAEGYMGFSL[Gly908Arg]ARSASLRSFS